The following is an entry in ClinVar:

NM_001040436.3(YARS2):c.1104-12T>A

Gene: YARS2 (tyrosyl-tRNA synthetase 2; minus strand). Cytogenetic location: 12p11.21.
Variant type: single nucleotide variant.
Coding change: c.1104-12T>A on transcript NM_001040436.3 (MANE Select); 12 bases into the intron before coding-DNA position 1104, T replaced by A.
Molecular consequence: intron variant.
Genome position (GRCh38, 1-based): chr12:32,750,119, A>T on the plus strand (T>A on the coding strand, the complement: YARS2 is on the minus strand). VCF-style: chr12-32750119-A-T. GRCh37 (hg19) VCF-style: chr12-32903053-A-T.
Identifiers: ClinVar variation 1992808 (VCV001992808.2), dbSNP rs2541155854, ClinGen allele CA2580085366.
Genomic context (GRCh38, chr12:32,750,119, plus strand): 5'-CATGACCTCCAGTGCATCTATGCTACTGTGATAAAGGGCTTGTGTACACCTGAAAAACAC[A>T]TTTTAAGAGCTACATCATATAAATGTTTATTCAAATACATGTTCTAATACCCATTAACCA-3'

ClinVar aggregate classification (germline): Uncertain significance (1 of 4 stars; one submission).

Submission:

Labcorp Genetics (formerly Invitae), Labcorp
Classification: Uncertain significance. Last evaluated: 2022-05-10. Review status: criteria provided, single submitter. Criteria: Invitae Variant Classification Sherloc (09022015). Collection method: clinical testing. Allele origin: germline.
Comment: Algorithms developed to predict the effect of sequence changes on RNA splicing suggest that this variant may disrupt the consensus splice site. This sequence change falls in intron 3 of the YARS2 gene. It does not directly change the encoded amino acid sequence of the YARS2 protein. This variant is not present in population databases (gnomAD no frequency). This variant has not been reported in the literature in individuals affected with YARS2-related conditions. In summary, the available evidence is currently insufficient to determine the role of this variant in disease. Therefore, it has been classified as a Variant of Uncertain Significance.